The following is an entry in ClinVar:

NM_000222.3(KIT):c.288G>C (p.Thr96=)

Gene: KIT (KIT proto-oncogene, receptor tyrosine kinase; plus strand). Cytogenetic location: 4q12.
Variant type: single nucleotide variant.
Coding change: c.288G>C on transcript NM_000222.3 (MANE Select); coding-DNA position 288, G replaced by C.
Protein change: p.Thr96=; no amino-acid change (threonine 96 retained).
Molecular consequence: synonymous variant.
Genome position (GRCh38, 1-based): chr4:54,695,732, G>C. VCF-style: chr4-54695732-G-C. GRCh37 (hg19) VCF-style: chr4-55561898-G-C.
Other names: c.288G>C, p.Thr96= (NM_001093772.2, NM_001385284.1, NM_001385285.1 and 4 more transcripts).
Identifiers: ClinVar variation 1089476 (VCV001089476.12), dbSNP rs150026676, ClinGen allele CA439409195.

ClinVar aggregate classification (germline): Benign/Likely benign. Review status: criteria provided, multiple submitters, no conflicts (2 of 4 stars). 3 submissions from 3 submitters: Benign (1); Likely benign (2). Last evaluated 2026-06-02.

Conditions:
Gastrointestinal stromal tumor. Also called: Gastrointestinal stroma tumor; Gastrointestinal stromal tumor, somatic. Identifiers: Orphanet 44890, MedGen C0238198, MeSH D046152, MONDO:0011719, OMIM 606764, HP:0100723.
Hereditary cancer-predisposing syndrome. Also called: Neoplastic Syndromes, Hereditary; Hereditary Cancer Syndrome; Hereditary neoplastic syndrome; Tumor predisposition. Identifiers: Orphanet 140162, MedGen C0027672, MeSH D009386, MONDO:0015356.

Submissions (3):

Myriad Genetics, Inc.
Classification: Benign for Gastrointestinal stromal tumor. Last evaluated: 2026-06-02. Review status: criteria provided, single submitter. Criteria: Myriad Autosomal Dominant, Autosomal Recessive and X-Linked Classification Criteria (2023). Collection method: clinical testing. Allele origin: unknown.
Comment: This variant is considered benign. This variant is a silent/synonymous amino acid change and it is not expected to impact splicing.

Labcorp Genetics (formerly Invitae), Labcorp
Classification: Likely benign for Gastrointestinal stromal tumor. Last evaluated: 2022-09-25. Review status: criteria provided, single submitter. Criteria: Invitae Variant Classification Sherloc (09022015). Collection method: clinical testing. Allele origin: germline.

Ambry Genetics
Classification: Likely benign for Hereditary cancer-predisposing syndrome. Last evaluated: 2022-05-01. Review status: criteria provided, single submitter. Criteria: Ambry Variant Classification Scheme 2023. Collection method: clinical testing. Allele origin: germline.